The following is an entry in ClinVar:

ClinVar aggregate classification (germline): Pathogenic (1 of 4 stars; one submission).

Conditions:
Nance-Horan syndrome (NHS). Identifiers: Orphanet 627, MedGen C0796085, MONDO:0010545, OMIM 302350.

Submission:

Labcorp Genetics (formerly Invitae), Labcorp
Classification: Pathogenic for Nance-Horan syndrome. Last evaluated: 2023-11-10. Review status: criteria provided, single submitter. Criteria: Invitae Variant Classification Sherloc (09022015). Collection method: clinical testing. Allele origin: germline.
Comment: This sequence change creates a premature translational stop signal (p.Asp45Glufs*138) in the NHS gene. It is expected to result in an absent or disrupted protein product. Loss-of-function variants in NHS are known to be pathogenic (PMID: 14564667, 19414485). This variant is not present in population databases (gnomAD no frequency). This variant has not been reported in the literature in individuals affected with NHS-related conditions. For these reasons, this variant has been classified as Pathogenic.

Literature cited by the submitters: PubMed 14564667; PubMed 19414485.

NM_001291867.2(NHS):c.134dup (p.Asp45fs)

Gene: NHS (NHS actin remodeling regulator; plus strand). Cytogenetic location: Xp22.2.
Variant type: Duplication.
Coding change: c.134dup on transcript NM_001291867.2 (MANE Select); coding-DNA position 134, one base duplicated (A; older notation c.134dupA).
Protein change: p.Asp45fs; shifts the reading frame from aspartic acid 45.
Molecular consequence: frameshift variant.
Genome position (GRCh38, 1-based): chrX:17,375,891, A duplicated. VCF-style (leftmost placement, unchanged base first): chrX-17375890-G-GA. GRCh37 (hg19) VCF-style: chrX-17394013-G-GA.
Other names: c.134dup, p.Asp45fs (NM_198270.4); short protein forms D45fs.
Identifiers: ClinVar variation 2694921 (VCV002694921.3), dbSNP rs2519619514, ClinGen allele CA2697552869.